The following is an entry in ClinVar:

ClinVar aggregate classification (germline): Uncertain significance (1 of 4 stars; one submission).

Conditions:
SPTBN5-related disorder. Also called: SPTBN5-related condition.

gnomAD v4.1: 2 of 1,612,116 alleles (0.00012%); highest among the groups gnomAD compares: Non-Finnish European, 0.00017%; no homozygotes.

Submission:

3billion
Classification: Uncertain significance for SPTBN5-related disorder. Last evaluated: 2025-12-29. Review status: criteria provided, single submitter. Criteria: ACMG Guidelines, 2015. Collection method: clinical testing. Allele origin: germline. Affected: yes.
Comment: The variant is observed at an extremely low frequency in the gnomAD v4.1.0 dataset (total allele frequency: <0.001%). Predicted Consequence/Location: Stop gained (nonsense) variant The variant has been reported to be associated with SPTBN5-related disorder (PMID: 35782384). Therefore, this variant is classified as VUS according to the recommendation of ACMG/AMP guideline.

Literature cited by the submitters: PubMed 35782384.

NM_016642.4(SPTBN5):c.933C>G (p.Tyr311Ter)

Gene: SPTBN5 (spectrin beta, non-erythrocytic 5; minus strand). Cytogenetic location: 15q15.1.
Variant type: single nucleotide variant.
Coding change: c.933C>G on transcript NM_016642.4 (MANE Select); coding-DNA position 933, C replaced by G.
Protein change: p.Tyr311Ter; replaces tyrosine 311 with a stop codon.
Molecular consequence: nonsense.
Genome position (GRCh38, 1-based): chr15:41,886,322, G>C on the plus strand (C>G on the coding strand, the complement: SPTBN5 is on the minus strand). VCF-style: chr15-41886322-G-C. GRCh37 (hg19) VCF-style: chr15-42178520-G-C.
Other names: short protein forms Y311*.
Identifiers: ClinVar variation 4855860 (VCV004855860.1).